The following is an entry in ClinVar:

NM_001278512.2(AP3B2):c.3056T>C (p.Met1019Thr)

Genes: AP3B2 (adaptor related protein complex 3 subunit beta 2; minus strand), CPEB1-AS1 (CPEB1 antisense RNA 1; plus strand). Cytogenetic location: 15q25.2.
Variant type: single nucleotide variant.
Coding change: c.3056T>C on transcript NM_001278512.2 (MANE Select); coding-DNA position 3056, T replaced by C.
Protein change: p.Met1019Thr; replaces methionine 1019 with threonine.
Molecular consequence: missense variant.
Genome position (GRCh38, 1-based): chr15:82,659,944, A>G on the plus strand (T>C on the coding strand, the complement: AP3B2 is on the minus strand). VCF-style: chr15-82659944-A-G. GRCh37 (hg19) VCF-style: chr15-83328696-A-G.
Other names: c.2999T>C (NM_004644.3); c.2903T>C, p.Met968Thr (NM_001278511.2); c.188T>C, p.Met63Thr (NM_001348441.2); c.2999T>C, p.Met1000Thr (NM_004644.5); short protein forms M1000T, M1019T, M63T, M968T.
Identifiers: ClinVar variation 1944477 (VCV001944477.3), dbSNP rs1448870522, ClinGen allele CA393305943.
Genomic context (GRCh38, chr15:82,659,944, plus strand): 5'-TTGGCAGTGGCAGTCACTTTCTGCACCACAATGTGGTCACTCCGACAGGTGTCTGGCAGC[A>G]TGAGTTTCTCTGTGATCTCATTCATGCCCATCAGCTTTCCTGGGGGTAGAGGTCGTGATG-3'
Protein context (NP_001265441.1, residues 1009-1029): MGMNEITEKL[Met1019Thr]LPDTCRSDHI

ClinVar aggregate classification (germline): Conflicting classifications of pathogenicity. Review status: criteria provided, conflicting classifications (1 of 4 stars). 2 submissions from 2 submitters: Uncertain significance (1); Likely benign (1). Last evaluated 2025-10-07.

Conditions:
Inborn genetic diseases. Identifiers: MedGen C0950123, MeSH D030342.

Allele frequency attached by ClinVar (database versions not stated): TOPMed 0.00001; gnomAD 0.00001; gnomAD exomes 0.00001.

Submissions (2):

Ambry Genetics
Classification: Likely benign for Inborn genetic diseases. Last evaluated: 2025-10-07. Review status: criteria provided, single submitter. Criteria: Ambry Variant Classification Scheme 2023. Collection method: clinical testing. Allele origin: germline.

Labcorp Genetics (formerly Invitae), Labcorp
Classification: Uncertain significance. Last evaluated: 2022-02-02. Review status: criteria provided, single submitter. Criteria: Invitae Variant Classification Sherloc (09022015). Collection method: clinical testing. Allele origin: germline.
Comment: This sequence change replaces methionine, which is neutral and non-polar, with threonine, which is neutral and polar, at codon 1000 of the AP3B2 protein (p.Met1000Thr). This variant is present in population databases (no rsID available, gnomAD 0.004%). This variant has not been reported in the literature in individuals affected with AP3B2-related conditions. Algorithms developed to predict the effect of missense changes on protein structure and function output the following: SIFT: "Tolerated"; PolyPhen-2: "Benign"; Align-GVGD: "Class C0". The threonine amino acid residue is found in multiple mammalian species, which suggests that this missense change does not adversely affect protein function. In summary, the available evidence is currently insufficient to determine the role of this variant in disease. Therefore, it has been classified as a Variant of Uncertain Significance.